The following is an entry in ClinVar:

ClinVar aggregate classification (germline): Likely benign (1 of 4 stars; one submission).

Allele frequency attached by ClinVar (database versions not stated): 1000 Genomes Project 0.00200; 1000 Genomes Project 30x 0.00219; TOPMed 0.00401; ExAC 0.00437; ESP Exome Variant Server 0.00462; gnomAD 0.00468; gnomAD exomes 0.00619.
gnomAD v4.1: 9,688 of 1,613,092 alleles (0.6%); highest among the groups gnomAD compares: Middle Eastern, 0.84%; 37 homozygotes.

Submission:

CeGaT Center for Human Genetics Tuebingen
Classification: Likely benign. Last evaluated: 2023-03-01. Review status: criteria provided, single submitter. Criteria: CeGaT Center For Human Genetics Tuebingen Variant Classification Criteria Version 2. Collection method: clinical testing. Allele origin: germline. Affected: yes. Observed: 1 variant allele.
Comment: NOXO1: BP4, BS2

NM_172167.3(NOXO1):c.116G>A (p.Arg39His)

Genes: NOXO1 (NADPH oxidase organizer 1; minus strand), TBL3 (transducin beta like 3; plus strand). Cytogenetic location: 16p13.3.
Variant type: single nucleotide variant.
Coding change: c.116G>A on transcript NM_172167.3 (MANE Select); coding-DNA position 116, G replaced by A.
Protein change: p.Arg39His; replaces arginine 39 with histidine.
Molecular consequence: missense variant. On other transcripts: 3 prime UTR variant (1).
Genome position (GRCh38, 1-based): chr16:1,980,970, C>T on the plus strand (G>A on the coding strand, the complement: NOXO1 is on the minus strand). VCF-style: chr16-1980970-C-T. GRCh37 (hg19) VCF-style: chr16-2030971-C-T.
Other names: c.116G>A, p.Arg39His (NM_001267721.2, NM_144603.4, NM_172168.3); c.*2285C>T (NM_006453.3); short protein forms R39H.
Identifiers: ClinVar variation 2645960 (VCV002645960.24), dbSNP rs117304081, ClinGen allele CA7825892.